The following is an entry in ClinVar:

NM_000038.6(APC):c.113A>C (p.Glu38Ala)

Gene: APC (APC regulator of Wnt signaling pathway; plus strand). Cytogenetic location: 5q22.2.
Variant type: single nucleotide variant.
Coding change: c.113A>C on transcript NM_000038.6 (MANE Select); coding-DNA position 113, A replaced by C.
Protein change: p.Glu38Ala; replaces glutamic acid 38 with alanine.
Molecular consequence: missense variant. On other transcripts: intron variant (8), 5 prime UTR variant (1).
Genome position (GRCh38, 1-based): chr5:112,755,003, A>C. VCF-style: chr5-112755003-A-C. GRCh37 (hg19) VCF-style: chr5-112090700-A-C.
Other names: c.113A>C, p.Glu38Ala (NM_001127510.3, NM_001354895.2, NM_001354896.2 and 2 more transcripts); c.166-11323A>C (NM_001127511.3, NM_001354897.2, NM_001354902.2); c.61-11323A>C (NM_001354898.2, NM_001354904.2); c.-42-11323A>C (NM_001354900.2, NM_001354901.2, NM_001354905.2); c.-923A>C (NM_001354906.2); short protein forms E38A.
Identifiers: ClinVar variation 945535 (VCV000945535.14), dbSNP rs1754800670, ClinGen allele CA16021587.

ClinVar aggregate classification (germline): Conflicting classifications of pathogenicity. Review status: criteria provided, conflicting classifications (1 of 4 stars). 3 submissions from 3 submitters: Uncertain significance (2); Likely benign (1). Last evaluated 2023-04-10.

Conditions:
Hereditary cancer-predisposing syndrome. Also called: Neoplastic Syndromes, Hereditary; Hereditary Cancer Syndrome; Tumor predisposition; Hereditary neoplastic syndrome. Identifiers: Orphanet 140162, MedGen C0027672, MeSH D009386, MONDO:0015356.
Familial adenomatous polyposis 1 (FAP1). Also called: POLYPOSIS, ADENOMATOUS INTESTINAL; FAMILIAL ADENOMATOUS POLYPOSIS 1, ATTENUATED. Identifiers: MedGen C2713442, MONDO:0021056, OMIM 175100. Disease mechanism: loss of function.

Allele frequency attached by ClinVar (database versions not stated): gnomAD exomes below 0.00001.
gnomAD v4.1: 1 of 1,613,810 alleles (0.000062%); highest among the groups gnomAD compares: African/African-American, 0.0013%; no homozygotes.

Submissions (3):

GeneDx
Classification: Uncertain significance. Last evaluated: 2023-04-10. Review status: criteria provided, single submitter. Criteria: GeneDx Variant Classification Process June 2021. Collection method: clinical testing. Allele origin: germline. Affected: yes.
Comment: Not observed at significant frequency in large population cohorts (gnomAD); In silico analysis supports that this missense variant has a deleterious effect on protein structure/function; Has not been previously published as pathogenic or benign to our knowledge; This variant is associated with the following publications: (PMID: 18199528)

Ambry Genetics
Classification: Likely benign for Hereditary cancer-predisposing syndrome. Last evaluated: 2020-04-02. Review status: criteria provided, single submitter. Criteria: Ambry Variant Classification Scheme 2023. Collection method: clinical testing. Allele origin: germline.

Labcorp Genetics (formerly Invitae), Labcorp
Classification: Uncertain significance for Familial adenomatous polyposis 1. Last evaluated: 2019-05-14. Review status: criteria provided, single submitter. Criteria: Invitae Variant Classification Sherloc (09022015). Collection method: clinical testing. Allele origin: germline.
Comment: This variant is not present in population databases (ExAC no frequency). In summary, the available evidence is currently insufficient to determine the role of this variant in disease. Therefore, it has been classified as a Variant of Uncertain Significance. Algorithms developed to predict the effect of missense changes on protein structure and function are either unavailable or do not agree on the potential impact of this missense change (SIFT: "Tolerated"; PolyPhen-2: "Probably Damaging"; Align-GVGD: "Class C0"). This variant has not been reported in the literature in individuals with APC-related conditions. This sequence change replaces glutamic acid with alanine at codon 38 of the APC protein (p.Glu38Ala). The glutamic acid residue is highly conserved and there is a moderate physicochemical difference between glutamic acid and alanine.